The following is an entry in ClinVar:

NM_005026.5(PIK3CD):c.1864G>A (p.Glu622Lys)

Gene: PIK3CD (phosphatidylinositol-4,5-bisphosphate 3-kinase catalytic subunit delta; plus strand). Cytogenetic location: 1p36.22.
Variant type: single nucleotide variant.
Coding change: c.1864G>A on transcript NM_005026.5 (MANE Select); coding-DNA position 1864, G replaced by A.
Protein change: p.Glu622Lys; replaces glutamic acid 622 with lysine.
Molecular consequence: missense variant.
Genome position (GRCh38, 1-based): chr1:9,721,496, G>A. VCF-style: chr1-9721496-G-A. GRCh37 (hg19) VCF-style: chr1-9781554-G-A.
Other names: c.1861G>A, p.Glu621Lys (NM_001350234.2); c.1777G>A, p.Glu593Lys (NM_001350235.1); short protein forms E593K, E621K, E622K.
Identifiers: ClinVar variation 1002649 (VCV001002649.10), dbSNP rs993552815, ClinGen allele CA17780912.
Genomic context (GRCh38, chr1:9,721,496, plus strand): 5'-CCCTGCAGGGACGATGAGCTGTTCCAGTACCTGCTGCAGCTGGTGCAGGTGCTCAAGTAC[G>A]AGTCCTACCTGGACTGCGAGCTGACCAAATTCCTGCTGGACCGGGCCCTGGCCAACCGCA-3'
Protein context (NP_005017.3, residues 612-632): LLQLVQVLKY[Glu622Lys]SYLDCELTKF

ClinVar aggregate classification (germline): Uncertain significance. Review status: criteria provided, multiple submitters, no conflicts (2 of 4 stars). 2 submissions from 2 submitters: Uncertain significance (2). Last evaluated 2025-08-25.

Conditions:
Immunodeficiency 14 (IMD14A). Also called: ACTIVATED PI3K-DELTA SYNDROME 1; IMMUNODEFICIENCY 14A WITH LYMPHOPROLIFERATION, AUTOSOMAL DOMINANT; Activated PI3K Delta Syndrome Type 1 (APDS1); p110-DELTA-ACTIVATING MUTATION CAUSING SENESCENT T CELLS, LYMPHADENOPATHY, AND IMMUNODEFICIENCY. Identifiers: Orphanet 397596, Orphanet 693661, MedGen C5907821, MONDO:0014222, OMIM 615513.

Allele frequency attached by ClinVar (database versions not stated): gnomAD exomes below 0.00001 and 0.00001; gnomAD 0.00001; TOPMed 0.00001.

Submissions (2):

Labcorp Genetics (formerly Invitae), Labcorp
Classification: Uncertain significance for Activated PI3K-delta syndrome. Last evaluated: 2025-08-25. Review status: criteria provided, single submitter. Criteria: Invitae Variant Classification Sherloc (09022015). Collection method: clinical testing. Allele origin: germline.
Comment: This sequence change replaces glutamic acid, which is acidic and polar, with lysine, which is basic and polar, at codon 622 of the PIK3CD protein (p.Glu622Lys). This variant is present in population databases (no rsID available, gnomAD 0.0009%). This variant has not been reported in the literature in individuals affected with PIK3CD-related conditions. ClinVar contains an entry for this variant (Variation ID: 1002649). Invitae Evidence Modeling of protein sequence and biophysical properties (such as structural, functional, and spatial information, amino acid conservation, physicochemical variation, residue mobility, and thermodynamic stability) indicates that this missense variant is expected to disrupt PIK3CD protein function with a positive predictive value of 80%. In summary, the available evidence is currently insufficient to determine the role of this variant in disease. Therefore, it has been classified as a Variant of Uncertain Significance.

Blueprint Genetics
Classification: Uncertain significance. Last evaluated: 2024-09-19. Review status: criteria provided, single submitter. Criteria: ACMG Guidelines, 2015. Collection method: clinical testing. Allele origin: germline.